The following is an entry in ClinVar:

ClinVar aggregate classification (germline): Uncertain significance (1 of 4 stars; one submission).

Allele frequency attached by ClinVar (database versions not stated): gnomAD exomes 0.00001.
gnomAD v4.1: 5 of 1,613,862 alleles (0.00031%); highest among the groups gnomAD compares: Non-Finnish European, 0.00042%; no homozygotes.

Submission:

Labcorp Genetics (formerly Invitae), Labcorp
Classification: Uncertain significance. Last evaluated: 2023-11-28. Review status: criteria provided, single submitter. Criteria: Invitae Variant Classification Sherloc (09022015). Collection method: clinical testing. Allele origin: germline.
Comment: This sequence change replaces asparagine, which is neutral and polar, with serine, which is neutral and polar, at codon 563 of the PDE6C protein (p.Asn563Ser). This variant is present in population databases (no rsID available, gnomAD 0.0009%). This missense change has been observed in individual(s) with clinical features of PDE6C-related conditions (Invitae). In at least one individual the data is consistent with being in trans (on the opposite chromosome) from a pathogenic variant. Advanced modeling of protein sequence and biophysical properties (such as structural, functional, and spatial information, amino acid conservation, physicochemical variation, residue mobility, and thermodynamic stability) has been performed at Invitae for this missense variant, however the output from this modeling did not meet the statistical confidence thresholds required to predict the impact of this variant on PDE6C protein function. In summary, the available evidence is currently insufficient to determine the role of this variant in disease. Therefore, it has been classified as a Variant of Uncertain Significance.

NM_006204.4(PDE6C):c.1688A>G (p.Asn563Ser)

Gene: PDE6C (phosphodiesterase 6C; plus strand). Cytogenetic location: 10q23.33.
Variant type: single nucleotide variant.
Coding change: c.1688A>G on transcript NM_006204.4 (MANE Select); coding-DNA position 1688, A replaced by G.
Protein change: p.Asn563Ser; replaces asparagine 563 with serine.
Molecular consequence: missense variant.
Genome position (GRCh38, 1-based): chr10:93,640,508, A>G. VCF-style: chr10-93640508-A-G. GRCh37 (hg19) VCF-style: chr10-95400265-A-G.
Other names: short protein forms N563S.
Identifiers: ClinVar variation 2802033 (VCV002802033.3), dbSNP rs1290040673, ClinGen allele CA377618619.